The following is an entry in ClinVar:

NM_000541.5(SAG):c.965G>A (p.Arg322Gln)

Gene: SAG (S-antigen visual arrestin; plus strand). Cytogenetic location: 2q37.1.
Variant type: single nucleotide variant.
Coding change: c.965G>A on transcript NM_000541.5 (MANE Select); coding-DNA position 965, G replaced by A.
Protein change: p.Arg322Gln; replaces arginine 322 with glutamine.
Molecular consequence: missense variant.
Genome position (GRCh38, 1-based): chr2:233,338,696, G>A. VCF-style: chr2-233338696-G-A. GRCh37 (hg19) VCF-style: chr2-234247342-G-A.
Other names: c.965G>A (NM_000541.4); short protein forms R322Q.
Identifiers: ClinVar variation 1512240 (VCV001512240.10), dbSNP rs776736329, ClinGen allele CA2174601.
Genomic context (GRCh38, chr2:233,338,696, plus strand): 5'-CTGCTCTCCATCATTCTCCTTTTCCCTTCTGTTTGGGCAGCATTAAGGAGGGCATAGACC[G>A]GACCGTCCTGGGAATCCTGGTGTCTTACCAGATCAAGGTGAAGCTCACAGTGTCAGGGTA-3'
Protein context (NP_000532.2, residues 312-332): SSTIIKEGID[Arg322Gln]TVLGILVSYQ

ClinVar aggregate classification (germline): Uncertain significance. Review status: criteria provided, multiple submitters, no conflicts (2 of 4 stars). 5 submissions from 5 submitters: Uncertain significance (4). 1 of the submissions does not count toward it. Last evaluated 2025-07-04.

Conditions:
SAG-related disorder. Also called: SAG-related condition; SAG-related disorders.
Retinal dystrophy. Also called: Inherited retinal dystrophy. Identifiers: Orphanet 71862, MedGen C0854723, MeSH D058499, MONDO:0019118, HP:0000556.
Inborn genetic diseases. Identifiers: MedGen C0950123, MeSH D030342.

Allele frequency attached by ClinVar (database versions not stated): gnomAD 0.00001; ExAC 0.00002; gnomAD exomes 0.00002; TOPMed 0.00002.
gnomAD v4.1: 35 of 1,613,690 alleles (0.0022%); highest among the groups gnomAD compares: Non-Finnish European, 0.0025%; no homozygotes.

Submissions (5):

Ambry Genetics
Classification: Uncertain significance for Inborn genetic diseases. Last evaluated: 2025-07-04. Review status: criteria provided, single submitter. Criteria: Ambry Variant Classification Scheme 2023. Collection method: clinical testing. Allele origin: germline.

Labcorp Genetics (formerly Invitae), Labcorp
Classification: Uncertain significance. Last evaluated: 2025-06-22. Review status: criteria provided, single submitter. Criteria: Invitae Variant Classification Sherloc (09022015). Collection method: clinical testing. Allele origin: germline.
Comment: This sequence change replaces arginine, which is basic and polar, with glutamine, which is neutral and polar, at codon 322 of the SAG protein (p.Arg322Gln). This variant is present in population databases (rs776736329, gnomAD 0.003%). This variant has not been reported in the literature in individuals affected with SAG-related conditions. ClinVar contains an entry for this variant (Variation ID: 1512240). Invitae Evidence Modeling of protein sequence and biophysical properties (such as structural, functional, and spatial information, amino acid conservation, physicochemical variation, residue mobility, and thermodynamic stability) indicates that this missense variant is not expected to disrupt SAG protein function with a negative predictive value of 80%. In summary, the available evidence is currently insufficient to determine the role of this variant in disease. Therefore, it has been classified as a Variant of Uncertain Significance.

Dept Of Ophthalmology, Nagoya University
Classification: Uncertain significance for Retinal dystrophy. Last evaluated: 2023-10-01. Review status: criteria provided, single submitter. Criteria: Submitter's publication. Collection method: research. Allele origin: germline. Affected: yes.

Blueprint Genetics
Classification: Uncertain significance. Last evaluated: 2023-08-04. Review status: criteria provided, single submitter. Criteria: ACMG Guidelines, 2015. Collection method: clinical testing. Allele origin: germline.

PreventionGenetics, part of Exact Sciences
Classification: Uncertain significance for SAG-related condition. Last evaluated: 2024-09-16. Review status: no assertion criteria provided. Collection method: clinical testing. Allele origin: germline. Not counted in ClinVar's aggregate classification.
Comment: The SAG c.965G>A variant is predicted to result in the amino acid substitution p.Arg322Gln. To our knowledge, this variant has not been reported in the literature. This variant is reported in 0.0031% of alleles in individuals of European (Non-Finnish) descent in gnomAD. At this time, the clinical significance of this variant is uncertain due to the absence of conclusive functional and genetic evidence.